The following is an entry in ClinVar:

ClinVar aggregate classification (germline): Uncertain significance (1 of 4 stars; one submission).

Allele frequency attached by ClinVar (database versions not stated): gnomAD 0.00001.
gnomAD v4.1: 20 of 1,611,410 alleles (0.0012%); highest among the groups gnomAD compares: Non-Finnish European, 0.0017%; no homozygotes.

Submission:

Labcorp Genetics (formerly Invitae), Labcorp
Classification: Uncertain significance. Last evaluated: 2024-06-17. Review status: criteria provided, single submitter. Criteria: Invitae Variant Classification Sherloc (09022015). Collection method: clinical testing. Allele origin: germline.
Comment: This sequence change replaces alanine, which is neutral and non-polar, with glutamic acid, which is acidic and polar, at codon 366 of the PDE6C protein (p.Ala366Glu). This variant is present in population databases (rs763089517, gnomAD 0.002%). This variant has not been reported in the literature in individuals affected with PDE6C-related conditions. ClinVar contains an entry for this variant (Variation ID: 964195). Advanced modeling of protein sequence and biophysical properties (such as structural, functional, and spatial information, amino acid conservation, physicochemical variation, residue mobility, and thermodynamic stability) performed at Invitae indicates that this missense variant is not expected to disrupt PDE6C protein function with a negative predictive value of 80%. In summary, the available evidence is currently insufficient to determine the role of this variant in disease. Therefore, it has been classified as a Variant of Uncertain Significance.

NM_006204.4(PDE6C):c.1097C>A (p.Ala366Glu)

Gene: PDE6C (phosphodiesterase 6C; plus strand). Cytogenetic location: 10q23.33.
Variant type: single nucleotide variant.
Coding change: c.1097C>A on transcript NM_006204.4 (MANE Select); coding-DNA position 1097, C replaced by A.
Protein change: p.Ala366Glu; replaces alanine 366 with glutamic acid.
Molecular consequence: missense variant.
Genome position (GRCh38, 1-based): chr10:93,629,283, C>A. VCF-style: chr10-93629283-C-A. GRCh37 (hg19) VCF-style: chr10-95389040-C-A.
Other names: short protein forms A366E.
Identifiers: ClinVar variation 964195 (VCV000964195.9), dbSNP rs763089517, ClinGen allele CA5610059.